The following is an entry in ClinVar:

ClinVar aggregate classification (germline): Likely pathogenic (1 of 4 stars; one submission).

Conditions:
Glycogen storage disease type III (GSD3). Also called: FORBES DISEASE; Cori disease. Identifiers: Orphanet 366, MedGen C0017922, MONDO:0009291, OMIM 232400.

Submission:

Kariminejad - Najmabadi Pathology & Genetics Center
Classification: Likely pathogenic for Glycogen storage disease type III. Last evaluated: 2023-02-27. Review status: criteria provided, single submitter. Criteria: ACMG Guidelines, 2015. Collection method: clinical testing. Allele origin: germline. Inheritance: Autosomal recessive inheritance. Affected: yes.
Comment: PM1??

NM_000642.3(AGL):c.259C>T (p.Gln87Ter)

Gene: AGL (amylo-alpha-1,6-glucosidase and 4-alpha-glucanotransferase; plus strand). Cytogenetic location: 1p21.2.
Variant type: single nucleotide variant.
Coding change: c.259C>T on transcript NM_000642.3 (MANE Select); coding-DNA position 259, C replaced by T.
Protein change: p.Gln87Ter; replaces glutamine 87 with a stop codon.
Molecular consequence: nonsense. On other transcripts: intron variant (1).
Genome position (GRCh38, 1-based): chr1:99,861,679, C>T. VCF-style: chr1-99861679-C-T. GRCh37 (hg19) VCF-style: chr1-100327235-C-T.
Other names: c.259C>T, p.Gln87Ter (NM_000643.3, NM_000644.3, NM_001425325.1 and 5 more transcripts); c.211C>T, p.Gln71Ter (NM_000646.3); c.83-2707C>T (NM_001425332.1); short protein forms Q71*, Q87*.
Identifiers: ClinVar variation 3897066 (VCV003897066.1).